The following is an entry in ClinVar:

NM_001365088.1(SLC12A6):c.966C>T (p.Gly322=)

Gene: SLC12A6 (solute carrier family 12 member 6; minus strand). Cytogenetic location: 15q14.
Variant type: single nucleotide variant.
Coding change: c.966C>T on transcript NM_001365088.1 (MANE Select); coding-DNA position 966, C replaced by T.
Protein change: p.Gly322=; no amino-acid change (glycine 322 retained).
Molecular consequence: synonymous variant.
Genome position (GRCh38, 1-based): chr15:34,254,500, G>A on the plus strand (C>T on the coding strand, the complement: SLC12A6 is on the minus strand). VCF-style: chr15-34254500-G-A. GRCh37 (hg19) VCF-style: chr15-34546701-G-A.
Other names: c.789C>T, p.Gly263= (NM_001042494.2, NM_001042495.2); c.939C>T, p.Gly313= (NM_001042496.2); c.921C>T, p.Gly307= (NM_001042497.2); c.813C>T, p.Gly271= (NM_005135.2); c.966C>T, p.Gly322= (NM_133647.2).
Identifiers: ClinVar variation 721397 (VCV000721397.20), dbSNP rs142496698, ClinGen allele CA7464431.

ClinVar aggregate classification (germline): Conflicting classifications of pathogenicity. Review status: criteria provided, conflicting classifications (1 of 4 stars). 6 submissions from 6 submitters: Uncertain significance (2); Likely benign (4). Last evaluated 2026-01-11.

Conditions:
Agenesis of the corpus callosum with peripheral neuropathy (ACCPN). Also called: HMSN/ACC; POLYNEUROPATHY, SENSORIMOTOR, WITH OR WITHOUT AGENESIS OF THE CORPUS CALLOSUM; CHARLEVOIX DISEASE; Hereditary Motor and Sensory Neuropathy with Agenesis of the Corpus Callosum. Identifiers: Orphanet 1496, MedGen C0795950, MONDO:0000902, OMIM 218000. Disease mechanism: loss of function.

Allele frequency attached by ClinVar (database versions not stated): ExAC 0.00014; ESP Exome Variant Server 0.00015; gnomAD exomes 0.00015 and 0.00029; gnomAD 0.00019 and 0.00020; TOPMed 0.00024.
gnomAD v4.1: 451 of 1,613,278 alleles (0.028%); highest among the groups gnomAD compares: Non-Finnish European, 0.035%; no homozygotes.

Submissions (6):

Labcorp Genetics (formerly Invitae), Labcorp
Classification: Likely benign. Last evaluated: 2026-01-11. Review status: criteria provided, single submitter. Criteria: Invitae Variant Classification Sherloc (09022015). Collection method: clinical testing. Allele origin: germline.

Women's Health and Genetics/Laboratory Corporation of America, LabCorp
Classification: Likely benign. Last evaluated: 2025-10-07. Review status: criteria provided, single submitter. Criteria: LabCorp Variant Classification Summary - May 2015. Collection method: clinical testing. Allele origin: germline.

GeneDx
Classification: Uncertain significance. Last evaluated: 2025-01-06. Review status: criteria provided, single submitter. Criteria: GeneDx Variant Classification Process June 2021. Collection method: clinical testing. Allele origin: germline. Affected: yes.
Comment: In silico analysis supports a deleterious effect on splicing; Has not been previously published as pathogenic or benign to our knowledge

ARUP Laboratories, Molecular Genetics and Genomics, ARUP Laboratories
Classification: Likely benign. Last evaluated: 2023-10-14. Review status: criteria provided, single submitter. Criteria: ARUP Molecular Germline Variant Investigation Process 2024. Collection method: clinical testing. Allele origin: germline.

Genome-Nilou Lab
Classification: Likely benign for Agenesis of the corpus callosum with peripheral neuropathy. Last evaluated: 2021-07-15. Review status: criteria provided, single submitter. Criteria: ACMG Guidelines, 2015. Collection method: clinical testing. Allele origin: germline. Affected: no.

Illumina Laboratory Services, Illumina
Classification: Uncertain significance for Agenesis of the corpus callosum with peripheral neuropathy. Last evaluated: 2018-01-12. Review status: criteria provided, single submitter. Criteria: ICSL Variant Classification Criteria 13 December 2019. Collection method: clinical testing. Allele origin: germline.